The following is an entry in ClinVar:

ClinVar aggregate classification (germline): Likely benign. Review status: criteria provided, multiple submitters, no conflicts (2 of 4 stars). 3 submissions from 3 submitters: Likely benign (3). Last evaluated 2025-01-23.

Conditions:
INPP5E-related disorder. Also called: INPP5E-related condition.
Joubert syndrome. Also called: JOUBERT-BOLTSHAUSER SYNDROME; Familial aplasia of the vermis. Identifiers: Orphanet 475, MedGen C5979921, MONDO:0018772.

Allele frequency attached by ClinVar (database versions not stated): ExAC 0.00001; gnomAD exomes 0.00001 and 0.00002; TOPMed 0.00001; gnomAD 0.00003 and 0.00004.

Submissions (3):

PreventionGenetics, part of Exact Sciences
Classification: Likely benign for INPP5E-related condition. Last evaluated: 2025-01-23. Review status: criteria provided, single submitter. Criteria: ACMG Guidelines, 2015. Collection method: clinical testing. Allele origin: germline.
Comment: This variant is classified as likely benign based on ACMG/AMP sequence variant interpretation guidelines (Richards et al. 2015 PMID: 25741868, with internal and published modifications).

Blueprint Genetics
Classification: Likely benign. Last evaluated: 2024-09-10. Review status: criteria provided, single submitter. Criteria: ACMG Guidelines, 2015. Collection method: clinical testing. Allele origin: germline.

Labcorp Genetics (formerly Invitae), Labcorp
Classification: Likely benign for Joubert syndrome. Last evaluated: 2023-08-30. Review status: criteria provided, single submitter. Criteria: Invitae Variant Classification Sherloc (09022015). Collection method: clinical testing. Allele origin: germline.

NM_019892.6(INPP5E):c.945G>A (p.Pro315=)

Gene: INPP5E (inositol polyphosphate-5-phosphatase E; minus strand). Cytogenetic location: 9q34.3.
Variant type: single nucleotide variant.
Coding change: c.945G>A on transcript NM_019892.6 (MANE Select); coding-DNA position 945, G replaced by A.
Protein change: p.Pro315=; no amino-acid change (proline 315 retained).
Molecular consequence: synonymous variant.
Genome position (GRCh38, 1-based): chr9:136,434,126, C>T on the plus strand (G>A on the coding strand, the complement: INPP5E is on the minus strand). VCF-style: chr9-136434126-C-T. GRCh37 (hg19) VCF-style: chr9-139328578-C-T.
Other names: c.945G>A, p.Pro315= (NM_001318502.2); c.945G>A (NM_019892.5).
Identifiers: ClinVar variation 1606330 (VCV001606330.10), dbSNP rs753567429, ClinGen allele CA5337011.